The following is an entry in ClinVar:

NC_000022.10:g.(?_38528818)_(38536196_?)del

Gene: PLA2G6 (phospholipase A2 group VI; minus strand). Cytogenetic location: 22q13.1.
Variant type: Deletion.
Identifiers: ClinVar variation 1459347 (VCV001459347.7).

ClinVar aggregate classification (germline): Pathogenic (1 of 4 stars; one submission).

Conditions:
Infantile neuroaxonal dystrophy (NBIA2A). Also called: NEURODEGENERATION WITH BRAIN IRON ACCUMULATION 2A; SEITELBERGER DISEASE; Infantile neuroaxonal dystrophy 1. Identifiers: Orphanet 35069, MedGen C0270724, MONDO:0024457, OMIM 256600.

Submission:

Labcorp Genetics (formerly Invitae), Labcorp
Classification: Pathogenic for Infantile neuroaxonal dystrophy. Last evaluated: 2022-06-18. Review status: criteria provided, single submitter. Criteria: Invitae Variant Classification Sherloc (09022015). Collection method: clinical testing. Allele origin: germline.
Comment: For these reasons, this variant has been classified as Pathogenic. The region of the PLA2G6 gene that includes exon(s) 5-6 has been determined to be clinically significant (PMID: 20584031, 24130795). Therefore, deletions that encompass that region are likely to be disease-causing. This variant has not been reported in the literature in individuals affected with PLA2G6-related conditions. This variant is a gross deletion of the genomic region encompassing exon(s) 5-7 of the PLA2G6 gene. This variant would be expected to be in-frame, preserving the integrity of the reading frame.

Literature cited by the submitters: PubMed 20584031; PubMed 24130795.